The following is an entry in ClinVar:

NM_020719.3(PRR12):c.1948C>T (p.Pro650Ser)

Gene: PRR12 (proline rich 12; plus strand). Cytogenetic location: 19q13.33.
Variant type: single nucleotide variant.
Coding change: c.1948C>T on transcript NM_020719.3 (MANE Select); coding-DNA position 1948, C replaced by T.
Protein change: p.Pro650Ser; replaces proline 650 with serine.
Molecular consequence: missense variant.
Genome position (GRCh38, 1-based): chr19:49,596,283, C>T. VCF-style: chr19-49596283-C-T. GRCh37 (hg19) VCF-style: chr19-50099540-C-T.
Other names: short protein forms P650S.
Identifiers: ClinVar variation 3770672 (VCV003770672.13).

ClinVar aggregate classification (germline): Benign (1 of 4 stars; one submission).

gnomAD v4.1: 362 of 1,611,444 alleles (0.022%); highest among the groups gnomAD compares: Middle Eastern, 0.22%; 4 homozygotes.

Submission:

CeGaT Center for Human Genetics Tuebingen
Classification: Benign. Last evaluated: 2025-02-01. Review status: criteria provided, single submitter. Criteria: CeGaT Center For Human Genetics Tuebingen Variant Classification Criteria Version 2. Collection method: clinical testing. Allele origin: germline. Affected: yes. Observed: 1 variant allele.
Comment: PRR12: BS1, BS2